The following is an entry in ClinVar:

ClinVar aggregate classification (germline): Pathogenic. Review status: criteria provided, multiple submitters, no conflicts (2 of 4 stars). 2 submissions from 2 submitters: Pathogenic (2). Last evaluated 2019-06-17.

Conditions:
X-linked agammaglobulinemia with growth hormone deficiency (IGHD3). Also called: HYPOGAMMAGLOBULINEMIA AND ISOLATED GROWTH HORMONE DEFICIENCY, X-LINKED; IGHD III; ISOLATED GROWTH HORMONE DEFICIENCY, TYPE III, WITH AGAMMAGLOBULINEMIA; Isolated growth hormone deficiency type 3; Growth hormone deficiency with hypogammaglobulinemia; AGAMMAGLOBULINEMIA AND ISOLATED GROWTH HORMONE DEFICIENCY, X-LINKED. Identifiers: Orphanet 231692, Orphanet 631, MedGen C0472813, MONDO:0010615, OMIM 307200.
X-linked agammaglobulinemia (XLA). Also called: Agammaglobulinemia, Bruton tyrosine kinase; Agammaglobulinemia, BTK; BTK-deficiency; Bruton's agammaglobulinemia; IMMUNODEFICIENCY 1; Bruton-type agammaglobulinemia. Identifiers: Orphanet 229717, Orphanet 47, MedGen C0221026, MONDO:0010421, OMIM 300755.

Submissions (2):

Women's Health and Genetics/Laboratory Corporation of America, LabCorp
Classification: Pathogenic for X-linked agammaglobulinemia. Last evaluated: 2019-06-17. Review status: criteria provided, single submitter. Criteria: LabCorp Variant Classification Summary - May 2015. Collection method: clinical testing. Allele origin: germline.
Comment: Variant summary: BTK c.472_475delACAG (p.Thr158ProfsX17) results in a premature termination codon, predicted to cause a truncation of the encoded protein or absence of the protein due to nonsense mediated decay, which are commonly known mechanisms for disease Truncations downstream of this position have been classified as pathogenic by our laboratory. The variant was absent in 183063 control chromosomes. c.472_475delACAG has been reported in the literature in an individual affected with X-linked Agammaglobulinemia confirmed to have very low levels of BTK protein expression (Kanegane_2001). At least one publication reports that this variant results in extremely low expression of BTK (Kanegane_2001). One clinical diagnostic laboratory has submitted clinical-significance assessments for this variant to ClinVar after 2014 and classified the variant as pathogenic. Based on the evidence outlined above, the variant was classified as pathogenic.

Labcorp Genetics (formerly Invitae), Labcorp
Classification: Pathogenic for X-linked agammaglobulinemia with growth hormone deficiency. Last evaluated: 2019-04-26. Review status: criteria provided, single submitter. Criteria: Invitae Variant Classification Sherloc (09022015). Collection method: clinical testing. Allele origin: germline.
Comment: This sequence change creates a premature translational stop signal (p.Thr158Profs*17) in the BTK gene. It is expected to result in an absent or disrupted protein product. For these reasons, this variant has been classified as Pathogenic. Loss-of-function variants in BTK are known to be pathogenic (PMID: 15661032, 16862044, 19419768). This variant has been observed in individuals affected with X-linked agammaglobulinemia (PMID: 11742281, Invitae). This variant is also known as 604-607delACAG in the literature. ClinVar contains an entry for this variant (Variation ID: 35761). This variant is not present in population databases (ExAC no frequency).

Literature cited by the submitters: PubMed 11742281 (cited by Women's Health and Genetics/Laboratory Corporation of America, LabCorp and Labcorp Genetics (formerly Invitae), Labcorp); PubMed 15661032 (cited by Labcorp Genetics (formerly Invitae), Labcorp); PubMed 16862044 (cited by Labcorp Genetics (formerly Invitae), Labcorp); PubMed 19419768 (cited by Labcorp Genetics (formerly Invitae), Labcorp).

NM_000061.3(BTK):c.472_475del (p.Thr158fs)

Gene: BTK (Bruton tyrosine kinase; minus strand). Cytogenetic location: Xq22.1.
Variant type: Deletion.
Coding change: c.472_475del on transcript NM_000061.3 (MANE Select); coding-DNA positions 472 to 475, 4 bases deleted (ACAG; older notation c.472_475delACAG).
Protein change: p.Thr158fs; shifts the reading frame from threonine 158.
Molecular consequence: frameshift variant.
Genome position (GRCh38, 1-based): chrX:101,362,606-101,362,609, CTGT deleted on the plus strand (ACAG on the coding strand, the reverse complement: BTK is on the minus strand); deleting any 4 consecutive bases within chrX:101,362,606-101,362,612 gives the same sequence; the c. name uses the placement nearest the transcript's 3' end. VCF-style (leftmost placement, unchanged base first): chrX-101362605-GCTGT-G. GRCh37 (hg19) VCF-style: chrX-100617593-GCTGT-G.
Other names: c.472_475delACAG (NM_000061.2); c.574_577del, p.Thr192fs (NM_001287344.2); c.472_475del, p.Thr158fs (NM_001287345.2); short protein forms T158fs, T192fs.
Identifiers: ClinVar variation 35761 (VCV000035761.11), dbSNP rs193922128, ClinGen allele CA260194.